The following is an entry in ClinVar:

NM_001033044.4(GLUL):c.805T>G (p.Tyr269Asp)

Gene: GLUL (glutamate-ammonia ligase; minus strand). Cytogenetic location: 1q25.3.
Variant type: single nucleotide variant.
Coding change: c.805T>G on transcript NM_001033044.4 (MANE Select); coding-DNA position 805, T replaced by G.
Protein change: p.Tyr269Asp; replaces tyrosine 269 with aspartic acid.
Molecular consequence: missense variant.
Genome position (GRCh38, 1-based): chr1:182,384,722, A>C on the plus strand (T>G on the coding strand, the complement: GLUL is on the minus strand). VCF-style: chr1-182384722-A-C. GRCh37 (hg19) VCF-style: chr1-182353857-A-C.
Other names: c.805T>G, p.Tyr269Asp (NM_001033056.4, NM_002065.7); short protein forms Y269D.
Identifiers: ClinVar variation 4975811 (VCV004975811.1).

ClinVar aggregate classification (germline): Uncertain significance (1 of 4 stars; one submission).

Submission:

GeneDx
Classification: Uncertain significance. Last evaluated: 2026-02-01. Review status: criteria provided, single submitter. Criteria: GeneDx Variant Classification Process June 2021. Collection method: clinical testing. Allele origin: germline.
Comment: Not observed at significant frequency in large population cohorts (gnomAD); In silico analysis suggests that this missense variant does not alter protein structure/function; Has not been previously published as pathogenic or benign to our knowledge.